The following is an entry in ClinVar:

NM_005263.5(GFI1):c.533G>A (p.Gly178Glu)

Gene: GFI1 (growth factor independent 1 transcriptional repressor; minus strand). Cytogenetic location: 1p22.1.
Variant type: single nucleotide variant.
Coding change: c.533G>A on transcript NM_005263.5 (MANE Select); coding-DNA position 533, G replaced by A.
Protein change: p.Gly178Glu; replaces glycine 178 with glutamic acid.
Molecular consequence: missense variant.
Genome position (GRCh38, 1-based): chr1:92,480,854, C>T on the plus strand (G>A on the coding strand, the complement: GFI1 is on the minus strand). VCF-style: chr1-92480854-C-T. GRCh37 (hg19) VCF-style: chr1-92946411-C-T.
Other names: c.533G>A, p.Gly178Glu (NM_001127215.3, NM_001127216.3); short protein forms G178E.
Identifiers: ClinVar variation 3853743 (VCV003853743.1).
Genomic context (GRCh38, chr1:92,480,854, plus strand): 5'-CCTAGGCCAGGGCCAGCGGTGGCACCGGCCCCTGCGCTGCAGCTCCCTGGCGCCCCGGCC[C>T]CCGCGCCGCCGGCAGCCCGCTTCGGGCCGTACAGCGCGGCCGGGTGGCCAGGCTCCGGGG-3'
Protein context (NP_005254.2, residues 168-188): YGPKRAAGGA[Gly178Glu]AGAPGSCSAG

ClinVar aggregate classification (germline): Uncertain significance (1 of 4 stars; one submission).

Submission:

Ambry Genetics
Classification: Uncertain significance. Last evaluated: 2025-03-08. Review status: criteria provided, single submitter. Criteria: Ambry Variant Classification Scheme 2023. Collection method: clinical testing. Allele origin: germline.
Comment: The p.G178E variant (also known as c.533G>A), located in coding exon 3 of the GFI1 gene, results from a G to A substitution at nucleotide position 533. The glycine at codon 178 is replaced by glutamic acid, an amino acid with similar properties. This amino acid position is conserved. In addition, this alteration is predicted to be tolerated by in silico analysis. Based on the available evidence, the clinical significance of this variant remains unclear.